The following is an entry in ClinVar:

NM_000501.4(ELN):c.774G>A (p.Ala258=)

Gene: ELN (elastin; plus strand). Cytogenetic location: 7q11.23.
Variant type: single nucleotide variant.
Coding change: c.774G>A on transcript NM_000501.4 (MANE Select); coding-DNA position 774, G replaced by A.
Protein change: p.Ala258=; no amino-acid change (alanine 258 retained).
Molecular consequence: synonymous variant.
Genome position (GRCh38, 1-based): chr7:74,048,531, G>A. VCF-style: chr7-74048531-G-A. GRCh37 (hg19) VCF-style: chr7-73462861-G-A.
Other names: c.744G>A, p.Ala248= (NM_001081752.3, NM_001278917.2); c.789G>A, p.Ala263= (NM_001081753.3, NM_001081754.3); c.774G>A, p.Ala258= (NM_001081755.3, NM_001278912.2, NM_001278915.2 and 1 more transcripts); c.666G>A, p.Ala222= (NM_001278913.2); c.759G>A, p.Ala253= (NM_001278914.2); c.732G>A, p.Ala244= (NM_001278916.2); c.642G>A, p.Ala214= (NM_001278918.2).
Identifiers: ClinVar variation 509084 (VCV000509084.2), dbSNP rs781921056, ClinGen allele CA4292689.

ClinVar aggregate classification (germline): Likely benign. Review status: criteria provided, multiple submitters, no conflicts (2 of 4 stars). 2 submissions from 2 submitters: Likely benign (2). Last evaluated 2025-12-29.

Conditions:
Supravalvar aortic stenosis (SVAS). Also called: Supravalvar aortic stenosis, Eisenberg type. Identifiers: Orphanet 3193, MedGen C0003499, MONDO:0008504, OMIM 185500, HP:0004381.

Allele frequency attached by ClinVar (database versions not stated): gnomAD 0.00001; TOPMed 0.00001; ExAC 0.00002.
gnomAD v4.1: 18 of 1,613,782 alleles (0.0011%); highest among the groups gnomAD compares: South Asian, 0.0033%; no homozygotes.

Submissions (2):

Labcorp Genetics (formerly Invitae), Labcorp
Classification: Likely benign for Supravalvar aortic stenosis. Last evaluated: 2025-12-29. Review status: criteria provided, single submitter. Criteria: Invitae Variant Classification Sherloc (09022015). Collection method: clinical testing. Allele origin: germline.

GeneDx
Classification: Likely benign. Last evaluated: 2017-04-24. Review status: criteria provided, single submitter. Criteria: GeneDx Variant Classification (06012015). Collection method: clinical testing. Allele origin: germline. Affected: yes.
Comment: This variant is considered likely benign or benign based on one or more of the following criteria: it is a conservative change, it occurs at a poorly conserved position in the protein, it is predicted to be benign by multiple in silico algorithms, and/or has population frequency not consistent with disease.